The following is an entry in ClinVar:

ClinVar aggregate classification (germline): Uncertain significance (1 of 4 stars; one submission).

Conditions:
Primary ciliary dyskinesia. Also called: Ciliary dyskinesia. Identifiers: Orphanet 244, MedGen C0008780, MONDO:0016575, HP:0012265.

Allele frequency attached by ClinVar (database versions not stated): gnomAD exomes below 0.00001; gnomAD 0.00001; ExAC 0.00002.
gnomAD v4.1: 6 of 1,550,006 alleles (0.00039%); highest among the groups gnomAD compares: Middle Eastern, 0.017%; no homozygotes.

Submission:

Labcorp Genetics (formerly Invitae), Labcorp
Classification: Uncertain significance for Primary ciliary dyskinesia. Last evaluated: 2020-02-19. Review status: criteria provided, single submitter. Criteria: Invitae Variant Classification Sherloc (09022015). Collection method: clinical testing. Allele origin: germline.
Comment: In summary, the available evidence is currently insufficient to determine the role of this variant in disease. Therefore, it has been classified as a Variant of Uncertain Significance. Algorithms developed to predict the effect of missense changes on protein structure and function (SIFT, PolyPhen-2, Align-GVGD) all suggest that this variant is likely to be tolerated, but these predictions have not been confirmed by published functional studies and their clinical significance is uncertain. This variant has not been reported in the literature in individuals with DNAH8-related conditions. ClinVar contains an entry for this variant (Variation ID: 407290). This variant is present in population databases (rs760843520, ExAC 0.01%). This sequence change replaces isoleucine with valine at codon 4082 of the DNAH8 protein (p.Ile4082Val). The isoleucine residue is highly conserved and there is a small physicochemical difference between isoleucine and valine.

NM_001206927.2(DNAH8):c.12244A>G (p.Ile4082Val)

Genes: DNAH8-AS1 (DNAH8 antisense RNA 1; minus strand), DNAH8 (dynein axonemal heavy chain 8; plus strand). Cytogenetic location: 6p21.2.
Variant type: single nucleotide variant.
Coding change: c.12244A>G on transcript NM_001206927.2 (MANE Select); coding-DNA position 12244, A replaced by G.
Protein change: p.Ile4082Val; replaces isoleucine 4082 with valine.
Molecular consequence: missense variant.
Genome position (GRCh38, 1-based): chr6:38,949,566, A>G. VCF-style: chr6-38949566-A-G. GRCh37 (hg19) VCF-style: chr6-38917342-A-G.
Other names: c.11593A>G, p.Ile3865Val (NM_001371.4); short protein forms I4082V, I3865V.
Identifiers: ClinVar variation 407290 (VCV000407290.10), dbSNP rs760843520, ClinGen allele CA3791288.
Genomic context (GRCh38, chr6:38,949,566, plus strand): 5'-GAGGAAATTATCCCTGATGGATATAATGATTCACTAGATACCTGCCATAAACTTTTACTT[A>G]TCAGGTGAGAACAGGCATTATCAGACCTAGAAGCATCACTCATAATATTGCTAAATTACA-3'
Protein context (NP_001193856.1, residues 4072-4092): SLDTCHKLLL[Ile4082Val]RSWCPDRTVF